The following is an entry in ClinVar:

NM_000051.4(ATM):c.3116G>T (p.Arg1039Ile)

Gene: ATM (ATM serine/threonine kinase; plus strand). Cytogenetic location: 11q22.3.
Variant type: single nucleotide variant.
Coding change: c.3116G>T on transcript NM_000051.4 (MANE Select); coding-DNA position 3116, G replaced by T.
Protein change: p.Arg1039Ile; replaces arginine 1039 with isoleucine.
Molecular consequence: missense variant.
Genome position (GRCh38, 1-based): chr11:108,272,570, G>T. VCF-style: chr11-108272570-G-T. GRCh37 (hg19) VCF-style: chr11-108143297-G-T.
Other names: c.3116G>T, p.Arg1039Ile (NM_001351834.2); short protein forms R1039I.
Identifiers: ClinVar variation 1996559 (VCV001996559.5), dbSNP rs2135565943, ClinGen allele CA382515189.

ClinVar aggregate classification (germline): Uncertain significance. Review status: criteria provided, multiple submitters, no conflicts (2 of 4 stars). 2 submissions from 2 submitters: Uncertain significance (2). Last evaluated 2025-06-24.

Conditions:
Hereditary cancer-predisposing syndrome. Also called: Hereditary Cancer Syndrome; Tumor predisposition; Hereditary neoplastic syndrome; Neoplastic Syndromes, Hereditary. Identifiers: Orphanet 140162, MedGen C0027672, MeSH D009386, MONDO:0015356.
Ataxia-telangiectasia syndrome (AT). Also called: Ataxia-telangiectasia, complementation group E; Ataxia-telangiectasia; ATAXIA-TELANGIECTASIA, COMPLEMENTATION GROUP A; Ataxia-telangiectasia, complementation group D; Ataxia telangiectasia (A-T); LOUIS-BAR SYNDROME. Identifiers: Orphanet 100, MedGen C0004135, MONDO:0008840, OMIM 208900.

Submissions (2):

Labcorp Genetics (formerly Invitae), Labcorp
Classification: Uncertain significance for Ataxia-telangiectasia syndrome. Last evaluated: 2025-06-24. Review status: criteria provided, single submitter. Criteria: Invitae Variant Classification Sherloc (09022015). Collection method: clinical testing. Allele origin: germline.
Comment: This sequence change replaces arginine, which is basic and polar, with isoleucine, which is neutral and non-polar, at codon 1039 of the ATM protein (p.Arg1039Ile). This variant is not present in population databases (gnomAD no frequency). This variant has not been reported in the literature in individuals affected with ATM-related conditions. ClinVar contains an entry for this variant (Variation ID: 1996559). Invitae Evidence Modeling of protein sequence and biophysical properties (such as structural, functional, and spatial information, amino acid conservation, physicochemical variation, residue mobility, and thermodynamic stability) has been performed for this missense variant. However, the output from this modeling did not meet the statistical confidence thresholds required to predict the impact of this variant on ATM protein function. In summary, the available evidence is currently insufficient to determine the role of this variant in disease. Therefore, it has been classified as a Variant of Uncertain Significance.

Ambry Genetics
Classification: Uncertain significance for Hereditary cancer-predisposing syndrome. Last evaluated: 2024-07-08. Review status: criteria provided, single submitter. Criteria: Ambry Variant Classification Scheme 2023. Collection method: clinical testing. Allele origin: germline.
Comment: The p.R1039I variant (also known as c.3116G>T), located in coding exon 20 of the ATM gene, results from a G to T substitution at nucleotide position 3116. The arginine at codon 1039 is replaced by isoleucine, an amino acid with similar properties. This amino acid position is conserved. In addition, the in silico prediction for this alteration is inconclusive. Based on the available evidence, the clinical significance of this variant remains unclear.